The following is an entry in ClinVar:

NM_005732.4(RAD50):c.2363G>T (p.Cys788Phe)

Gene: RAD50 (RAD50 double strand break repair protein; plus strand). Cytogenetic location: 5q31.1.
Variant type: single nucleotide variant.
Coding change: c.2363G>T on transcript NM_005732.4 (MANE Select); coding-DNA position 2363, G replaced by T.
Protein change: p.Cys788Phe; replaces cysteine 788 with phenylalanine.
Molecular consequence: missense variant.
Genome position (GRCh38, 1-based): chr5:132,603,455, G>T. VCF-style: chr5-132603455-G-T. GRCh37 (hg19) VCF-style: chr5-131939147-G-T.
Other names: short protein forms C788F.
Identifiers: ClinVar variation 646090 (VCV000646090.9), dbSNP rs1581001167, ClinGen allele CA360954939.

ClinVar aggregate classification (germline): Uncertain significance (1 of 4 stars; one submission).

Conditions:
Hereditary cancer-predisposing syndrome. Also called: Hereditary Cancer Syndrome; Tumor predisposition; Hereditary neoplastic syndrome; Neoplastic Syndromes, Hereditary. Identifiers: Orphanet 140162, MedGen C0027672, MeSH D009386, MONDO:0015356.

Submission:

Labcorp Genetics (formerly Invitae), Labcorp
Classification: Uncertain significance for Hereditary cancer-predisposing syndrome. Last evaluated: 2022-07-05. Review status: criteria provided, single submitter. Criteria: Invitae Variant Classification Sherloc (09022015). Collection method: clinical testing. Allele origin: germline.
Comment: In summary, the available evidence is currently insufficient to determine the role of this variant in disease. Therefore, it has been classified as a Variant of Uncertain Significance. Algorithms developed to predict the effect of missense changes on protein structure and function are either unavailable or do not agree on the potential impact of this missense change (SIFT: "Tolerated"; PolyPhen-2: "Possibly Damaging"; Align-GVGD: "Class C0"). ClinVar contains an entry for this variant (Variation ID: 646090). This variant has not been reported in the literature in individuals affected with RAD50-related conditions. This variant is not present in population databases (gnomAD no frequency). This sequence change replaces cysteine, which is neutral and slightly polar, with phenylalanine, which is neutral and non-polar, at codon 788 of the RAD50 protein (p.Cys788Phe).